The following is an entry in ClinVar:

ClinVar aggregate classification (germline): Conflicting classifications of pathogenicity. Review status: criteria provided, conflicting classifications (1 of 4 stars). 3 submissions from 3 submitters: Uncertain significance (2); Likely benign (1). Last evaluated 2025-11-13.

Conditions:
ATP8B1-related disorder. Also called: ATP8B1-related disorders; ATP8B1-related condition.
Inborn genetic diseases. Identifiers: MedGen C0950123, MeSH D030342.

gnomAD v4.1: 48 of 1,614,058 alleles (0.003%); highest among the groups gnomAD compares: African/African-American, 0.032%; no homozygotes.

Submissions (3):

Ambry Genetics
Classification: Uncertain significance for Inborn genetic diseases. Last evaluated: 2025-11-13. Review status: criteria provided, single submitter. Criteria: Ambry Variant Classification Scheme 2023. Collection method: clinical testing. Allele origin: germline.

PreventionGenetics, part of Exact Sciences
Classification: Uncertain significance for ATP8B1-related condition. Last evaluated: 2025-06-26. Review status: criteria provided, single submitter. Criteria: ACMG Guidelines, 2015. Collection method: clinical testing. Allele origin: germline.
Comment: The ATP8B1 c.1574G>A variant is predicted to result in the amino acid substitution p.Arg525Gln. To our knowledge, this variant has not been reported in the literature. This variant is reported in 0.036% of alleles in individuals of African descent in gnomAD. At this time, the clinical significance of this variant is uncertain due to the absence of conclusive functional and genetic evidence.

Blueprint Genetics
Classification: Likely benign. Last evaluated: 2024-03-07. Review status: criteria provided, single submitter. Criteria: ACMG Guidelines, 2015. Collection method: clinical testing. Allele origin: germline.

NM_001374385.1(ATP8B1):c.1574G>A (p.Arg525Gln)

Gene: ATP8B1 (ATPase phospholipid transporting 8B1; minus strand). Cytogenetic location: 18q21.31.
Variant type: single nucleotide variant.
Coding change: c.1574G>A on transcript NM_001374385.1 (MANE Select); coding-DNA position 1574, G replaced by A.
Protein change: p.Arg525Gln; replaces arginine 525 with glutamine.
Molecular consequence: missense variant.
Genome position (GRCh38, 1-based): chr18:57,684,092, C>T on the plus strand (G>A on the coding strand, the complement: ATP8B1 is on the minus strand). VCF-style: chr18-57684092-C-T. GRCh37 (hg19) VCF-style: chr18-55351324-C-T.
Other names: c.1424G>A, p.Arg475Gln (NM_001374386.1); c.1574G>A, p.Arg525Gln (NM_005603.6); short protein forms R475Q, R525Q.
Identifiers: ClinVar variation 3352129 (VCV003352129.4).